The following is an entry in ClinVar:

NM_033118.4(MYLK2):c.1129C>T (p.His377Tyr)

Gene: MYLK2 (myosin light chain kinase 2; plus strand). Cytogenetic location: 20q11.21.
Variant type: single nucleotide variant.
Coding change: c.1129C>T on transcript NM_033118.4 (MANE Select); coding-DNA position 1129, C replaced by T.
Protein change: p.His377Tyr; replaces histidine 377 with tyrosine.
Molecular consequence: missense variant.
Genome position (GRCh38, 1-based): chr20:31,826,843, C>T. VCF-style: chr20-31826843-C-T. GRCh37 (hg19) VCF-style: chr20-30414646-C-T.
Other names: short protein forms H377Y.
Identifiers: ClinVar variation 1727673 (VCV001727673.2), dbSNP rs2062282818, ClinGen allele CA408527169.

ClinVar aggregate classification (germline): Uncertain significance (1 of 4 stars; one submission).

Allele frequency attached by ClinVar (database versions not stated): gnomAD exomes below 0.00001.
gnomAD v4.1: 1 of 1,614,100 alleles (0.000062%); highest among the groups gnomAD compares: Non-Finnish European, 0.000085%; no homozygotes.

Submission:

Ambry Genetics
Classification: Uncertain significance. Last evaluated: 2021-12-24. Review status: criteria provided, single submitter. Criteria: Ambry Variant Classification Scheme 2023. Collection method: clinical testing. Allele origin: germline.
Comment: The p.H377Y variant (also known as c.1129C>T), located in coding exon 7 of the MYLK2 gene, results from a C to T substitution at nucleotide position 1129. The histidine at codon 377 is replaced by tyrosine, an amino acid with similar properties. This amino acid position is conserved. In addition, this alteration is predicted to be tolerated by in silico analysis. Since supporting evidence is limited at this time, the clinical significance of this alteration remains unclear.